The following is an entry in ClinVar:

NM_001297.5(CNGB1):c.1333del (p.Glu445fs)

Gene: CNGB1 (cyclic nucleotide gated channel subunit beta 1; minus strand). Cytogenetic location: 16q21.
Variant type: Deletion.
Coding change: c.1333del on transcript NM_001297.5 (MANE Select); coding-DNA position 1333, one base deleted (G; older notation c.1333delG).
Protein change: p.Glu445fs; shifts the reading frame from glutamic acid 445.
Molecular consequence: frameshift variant.
Genome position (GRCh38, 1-based): chr16:57,939,469, C deleted on the plus strand (G on the coding strand, the reverse complement: CNGB1 is on the minus strand); the first of 2 consecutive C bases (chr16:57,939,469-57,939,470); deleting either gives the same sequence. VCF-style (leftmost placement, unchanged base first): chr16-57939468-TC-T. GRCh37 (hg19) VCF-style: chr16-57973372-TC-T.
Other names: c.1315del, p.Glu439fs (NM_001286130.2); short protein forms E439fs, E445fs.
Identifiers: ClinVar variation 1075276 (VCV001075276.8), dbSNP rs759380292, ClinGen allele CA8083476.

ClinVar aggregate classification (germline): Pathogenic (1 of 4 stars; one submission).

Submission:

Labcorp Genetics (formerly Invitae), Labcorp
Classification: Pathogenic. Last evaluated: 2025-05-16. Review status: criteria provided, single submitter. Criteria: Invitae Variant Classification Sherloc (09022015). Collection method: clinical testing. Allele origin: germline.
Comment: This sequence change creates a premature translational stop signal (p.Glu445Argfs*58) in the CNGB1 gene. It is expected to result in an absent or disrupted protein product. Loss-of-function variants in CNGB1 are known to be pathogenic (PMID: 15557452, 24043777). This variant is present in population databases (rs759380292, gnomAD 0.007%). This variant has not been reported in the literature in individuals affected with CNGB1-related conditions. ClinVar contains an entry for this variant (Variation ID: 1075276). For these reasons, this variant has been classified as Pathogenic.

Literature cited by the submitters: PubMed 15557452; PubMed 24043777.